The following is an entry in ClinVar:

ClinVar aggregate classification (germline): Uncertain significance (1 of 4 stars; one submission).

Conditions:
Autosomal dominant nonsyndromic hearing loss 2A. Also called: DFNA2 Nonsyndromic Hearing Loss; Deafness, autosomal dominant 2A; Autosomal dominant nonsyndromic deafness 2A. Identifiers: Orphanet 90635, MedGen C2677637, MONDO:0010817, OMIM 600101.

Submission:

Victorian Clinical Genetics Services, Murdoch Childrens Research Institute
Classification: Uncertain significance for Autosomal dominant nonsyndromic hearing loss 2A. Last evaluated: 2020-05-21. Review status: criteria provided, single submitter. Criteria: ACMG Guidelines, 2015. Collection method: clinical testing. Allele origin: germline. Inheritance: Autosomal dominant inheritance.
Comment: Based on the classification scheme VCGS_Germline_v1.1.1, this variant is classified as VUS – 3B. Following criteria are met: 0102 - Loss-of-function is a known mechanism of disease for this gene, observed in truncating variants that lose most domains (PMID:26036578). (N) 0104 - Dominant Negative is a mechanism of disease for this gene. Missense interfere with current conductance and density (OMIM), and truncating variants retain most S domains, but lose the B segment and A domain (PMID:26036578). (N) 0108 - This gene is known to be associated with autosomal dominant and recessive disease, where patients homozygous for both NMD-predicted variants and missense have an earlier onset of disease (PMID:31028865, PMID:26036578). (N) 0200 - Variant is predicted to result in a missense amino acid change from serine to glycine (exon 2). (N) 0251 - Variant is heterozygous. (N) 0301 - Variant is absent from gnomAD. (P) 0502 - Missense variant with conflicting in silico predictions and uninformative conservation. (N) 0600 - Variant is located in an annotated domain or motif, the ion transport domain (PDB, NCBI). (N) 0705 - No comparable variants have previous evidence for pathogenicity. (N) 0807 - Variant has not previously been reported in a clinical context. (N) 0905 - No segregation evidence has been identified for this variant. (N) 1007 - No published functional evidence has been identified for this variant. (N) 1208 - Inheritance information for this variant is not currently available. (N) Legend: (P) - Pathogenic, (N) - Neutral, (B) - Benign

Literature cited by the submitters: PubMed 26036578; PubMed 31028865.

NM_004700.4(KCNQ4):c.331A>G (p.Ser111Gly)

Gene: KCNQ4 (potassium voltage-gated channel subfamily Q member 4; plus strand). Cytogenetic location: 1p34.2.
Variant type: single nucleotide variant.
Coding change: c.331A>G on transcript NM_004700.4 (MANE Select); coding-DNA position 331, A replaced by G.
Protein change: p.Ser111Gly; replaces serine 111 with glycine.
Molecular consequence: missense variant.
Genome position (GRCh38, 1-based): chr1:40,817,281, A>G. VCF-style: chr1-40817281-A-G. GRCh37 (hg19) VCF-style: chr1-41282953-A-G.
Other names: c.331A>G, p.Ser111Gly (NM_172163.3); short protein forms S111G.
Identifiers: ClinVar variation 3377467 (VCV003377467.1).